The following is an entry in ClinVar:

ClinVar aggregate classification (germline): Uncertain significance. Review status: criteria provided, single submitter (1 of 4 stars). 2 submissions from 2 submitters: Uncertain significance (1). 1 of the submissions does not count toward it. Last evaluated 2021-08-28.

Conditions:
TH-deficient dopa-responsive dystonia. Also called: DYT-TH; Tyrosine Hydroxylase-Deficient Dopa-Responsive Dystonia; Segawa syndrome, autosomal recessive. Identifiers: Orphanet 101150, MedGen C2673535, MONDO:0011551, OMIM 605407.

Allele frequency attached by ClinVar (database versions not stated): TOPMed below 0.00001; gnomAD exomes 0.00001; gnomAD 0.00003.

Submissions (2):

Labcorp Genetics (formerly Invitae), Labcorp
Classification: Uncertain significance for TH-deficient dopa-responsive dystonia. Last evaluated: 2021-08-28. Review status: criteria provided, single submitter. Criteria: Invitae Variant Classification Sherloc (09022015). Collection method: clinical testing. Allele origin: germline.
Comment: This sequence change replaces threonine with serine at codon 399 of the TH protein (p.Thr399Ser). The threonine residue is highly conserved and there is a small physicochemical difference between threonine and serine. This variant is not present in population databases (ExAC no frequency). This variant has not been reported in the literature in individuals affected with TH-related conditions. Algorithms developed to predict the effect of missense changes on protein structure and function (SIFT, PolyPhen-2, Align-GVGD) all suggest that this variant is likely to be disruptive. In summary, the available evidence is currently insufficient to determine the role of this variant in disease. Therefore, it has been classified as a Variant of Uncertain Significance.

Natera, Inc.
Classification: Uncertain significance for Autosomal recessive Segawa syndrome. Last evaluated: 2020-06-04. Review status: no assertion criteria provided. Collection method: clinical testing. Allele origin: germline. Not counted in ClinVar's aggregate classification.

NM_000360.4(TH):c.1102A>T (p.Thr368Ser)

Gene: TH (tyrosine hydroxylase; minus strand). Cytogenetic location: 11p15.5.
Variant type: single nucleotide variant.
Coding change: c.1102A>T on transcript NM_000360.4 (MANE Select); coding-DNA position 1102, A replaced by T.
Protein change: p.Thr368Ser; replaces threonine 368 with serine.
Molecular consequence: missense variant.
Genome position (GRCh38, 1-based): chr11:2,166,004, T>A on the plus strand (A>T on the coding strand, the complement: TH is on the minus strand). VCF-style: chr11-2166004-T-A. GRCh37 (hg19) VCF-style: chr11-2187234-T-A.
Other names: c.1195A>T, p.Thr399Ser (NM_199292.3); c.1183A>T, p.Thr395Ser (NM_199293.3); short protein forms T368S, T395S, T399S.
Identifiers: ClinVar variation 965479 (VCV000965479.4), dbSNP rs537643329, ClinGen allele CA216284046.